The following is an entry in ClinVar:

NM_213599.3(ANO5):c.2521-13A>G

Gene: ANO5 (anoctamin 5; plus strand). Cytogenetic location: 11p14.3.
Variant type: single nucleotide variant.
Coding change: c.2521-13A>G on transcript NM_213599.3 (MANE Select); 13 bases into the intron before coding-DNA position 2521, A replaced by G.
Molecular consequence: intron variant.
Genome position (GRCh38, 1-based): chr11:22,279,531, A>G. VCF-style: chr11-22279531-A-G. GRCh37 (hg19) VCF-style: chr11-22301077-A-G.
Other names: c.2518-13A>G (NM_001142649.2).
Identifiers: ClinVar variation 96680 (VCV000096680.22), dbSNP rs76850415, ClinGen allele CA149672.

ClinVar aggregate classification (germline): Benign. Review status: criteria provided, multiple submitters, no conflicts (2 of 4 stars). 12 submissions from 10 submitters: Benign (9). 3 of the submissions do not count toward it. Last evaluated 2026-02-03.

Conditions:
Gnathodiaphyseal dysplasia (GDD). Also called: OSTEOGENESIS IMPERFECTA WITH UNUSUAL SKELETAL LESIONS; GNATHODIAPHYSEAL SCLEROSIS. Identifiers: Orphanet 53697, MedGen C1833736, MONDO:0008151, OMIM 166260.
Autosomal recessive limb-girdle muscular dystrophy type 2L (LGMDR12). Also called: Limb-Girdle Muscular Dystrophy R12 Anoctamin-5-Related (LGMD-R12); Limb-girdle muscular dystrophy, type 2L; MUSCULAR DYSTROPHY, LIMB-GIRDLE, AUTOSOMAL RECESSIVE 12. Identifiers: Orphanet 206549, MedGen C1969785, MONDO:0012652, OMIM 611307.
ANO5-Related Muscle Diseases. Identifiers: MedGen CN180644.
Miyoshi muscular dystrophy 3 (MMD3). Also called: Miyoshi myopathy 3; Miyoshi Muscular Dystrophy 3 (MMD3). Identifiers: Orphanet 399096, MedGen C2750076, MONDO:0013222, OMIM 613319.

Allele frequency attached by ClinVar (database versions not stated): gnomAD 0.02594 and 0.02660; gnomAD exomes 0.03654 and 0.02924; 1000 Genomes Project 30x 0.01515; 1000 Genomes Project 0.01418; TOPMed 0.02603; ESP Exome Variant Server 0.02891; ExAC 0.03073.
gnomAD v4.1: 56,628 of 1,598,086 alleles (3.5%); highest among the groups gnomAD compares: Middle Eastern, 4.1%; 1,120 homozygotes.

Submissions (12):

Labcorp Genetics (formerly Invitae), Labcorp
Classification: Benign for Autosomal recessive limb-girdle muscular dystrophy type 2L; Gnathodiaphyseal dysplasia. Last evaluated: 2026-02-03. Review status: criteria provided, single submitter. Criteria: Invitae Variant Classification Sherloc (09022015). Collection method: clinical testing. Allele origin: germline.

Genome-Nilou Lab
Classification: Benign for Gnathodiaphyseal dysplasia. Last evaluated: 2021-12-05. Review status: criteria provided, single submitter. Criteria: ACMG Guidelines, 2015. Collection method: clinical testing. Allele origin: germline. Affected: no.

Genome-Nilou Lab
Classification: Benign for Miyoshi muscular dystrophy 3. Last evaluated: 2021-12-05. Review status: criteria provided, single submitter. Criteria: ACMG Guidelines, 2015. Collection method: clinical testing. Allele origin: germline. Affected: no.

Genome-Nilou Lab
Classification: Benign for Autosomal recessive limb-girdle muscular dystrophy type 2L. Last evaluated: 2021-12-05. Review status: criteria provided, single submitter. Criteria: ACMG Guidelines, 2015. Collection method: clinical testing. Allele origin: germline. Affected: no.

Illumina Laboratory Services, Illumina
Classification: Benign for ANO5-Related Muscle Diseases. Last evaluated: 2018-01-12. Review status: criteria provided, single submitter. Criteria: ICSL Variant Classification Criteria 13 December 2019. Collection method: clinical testing. Allele origin: germline.
Comment: This variant was observed in the ICSL laboratory as part of a predisposition screen in an ostensibly healthy population. It had not been previously curated by ICSL or reported in the Human Gene Mutation Database (HGMD: prior to June 1st, 2018), and was therefore a candidate for classification through an automated scoring system. Utilizing variant allele frequency, disease prevalence and penetrance estimates, and inheritance mode, an automated score was calculated to assess if this variant is too frequent to cause the disease. Based on the score and internal cut-off values, a variant classified as benign is not then subjected to further curation. The score for this variant resulted in a classification of benign for this disease.

GeneDx
Classification: Benign. Last evaluated: 2016-01-12. Review status: criteria provided, single submitter. Criteria: GeneDx Variant Classification (06012015). Collection method: clinical testing. Allele origin: germline. Affected: yes.
Comment: This variant is considered likely benign or benign based on one or more of the following criteria: it is a conservative change, it occurs at a poorly conserved position in the protein, it is predicted to be benign by multiple in silico algorithms, and/or has population frequency not consistent with disease.

Eurofins Ntd Llc (ga)
Classification: Benign. Last evaluated: 2013-03-29. Review status: criteria provided, single submitter. Criteria: EGL Classification Definitions 2015. Collection method: clinical testing. Allele origin: germline. Observed: 4 variant alleles, 4 heterozygotes.

Breakthrough Genomics
Classification: Benign. Review status: criteria provided, single submitter. Criteria: ACMG Guidelines, 2015. Collection method: not provided. Allele origin: germline. Inheritance: Autosomal recessive inheritance. Affected: yes.

PreventionGenetics, part of Exact Sciences
Classification: Benign. Review status: criteria provided, single submitter. Criteria: ACMG Guidelines, 2015. Collection method: clinical testing. Allele origin: germline.

Clinical Genetics, Academic Medical Center
Classification: Benign. Review status: no assertion criteria provided. Collection method: clinical testing. Allele origin: germline. Affected: yes. Study: VKGL Data-share Consensus. Not counted in ClinVar's aggregate classification.

Genome Diagnostics Laboratory, University Medical Center Utrecht
Classification: Benign. Review status: no assertion criteria provided. Collection method: clinical testing. Allele origin: germline. Affected: yes. Study: VKGL Data-share Consensus. Not counted in ClinVar's aggregate classification.

Laboratory of Diagnostic Genome Analysis, Leiden University Medical Center (LUMC)
Classification: Likely benign. Review status: no assertion criteria provided. Collection method: clinical testing. Allele origin: germline. Affected: yes. Study: VKGL Data-share Consensus. Not counted in ClinVar's aggregate classification.